The following is an entry in ClinVar:

NM_000277.3(PAH):c.60+62C>T

Gene: PAH (phenylalanine hydroxylase; minus strand). Cytogenetic location: 12q23.2.
Variant type: single nucleotide variant.
Coding change: c.60+62C>T on transcript NM_000277.3 (MANE Select); 62 bases into the intron after coding-DNA position 60, C replaced by T.
Molecular consequence: intron variant.
Genome position (GRCh38, 1-based): chr12:102,917,009, G>A on the plus strand (C>T on the coding strand, the complement: PAH is on the minus strand). VCF-style: chr12-102917009-G-A. GRCh37 (hg19) VCF-style: chr12-103310787-G-A.
Other names: c.60+62C>T (NM_000277.1, NM_001354304.2).
Identifiers: ClinVar variation 585207 (VCV000585207.16), dbSNP rs1522296, ClinGen allele CA13630270.
Genomic context (GRCh38, chr12:102,917,009, plus strand): 5'-CTTCCAACGAATTCAGACTTCTTACTGAGCTTATGAAACCAGGAAGCACCAGCAGTCTTC[G>A]GATCTCTTTCTCTGGAGGCCCAAATTCCCCTAACTGAGCAGCTCAGGCTGCCGTGGCTCA-3'

ClinVar aggregate classification (germline): Benign. Review status: reviewed by expert panel (3 of 4 stars). 12 submissions from 12 submitters: Benign (1). 11 of the submissions do not count toward it. Last evaluated 2019-11-08.

Conditions:
PAH-related disorder. Also called: PAH-related condition.
Phenylketonuria (PKU). Also called: OLIGOPHRENIA PHENYLPYRUVICA; Phenylketonurias; FOLLING DISEASE; Phenylketonuria (PKU). Identifiers: Orphanet 716, MedGen C0031485, MONDO:0009861, OMIM 261600. Disease mechanism: loss of function.

Allele frequency attached by ClinVar (database versions not stated): 1000 Genomes Project 0.36362; gnomAD 0.34408; 1000 Genomes Project 30x 0.37601; ESP Exome Variant Server 0.37714; TOPMed 0.39951.
gnomAD v4.1: 472,852 of 1,451,900 alleles (33%); highest among the groups gnomAD compares: Admixed American, 51%; 80,966 homozygotes.

Submissions (12):

ClinGen PAH Variant Curation Expert Panel
Classification: Benign for Phenylketonuria. Last evaluated: 2019-11-08. Review status: reviewed by expert panel. Criteria: ClinGen PAH ACMG Specifications v1. Collection method: curation. Allele origin: germline. Inheritance: Autosomal recessive inheritance.
Comment: The c.60+62C>T intronic variant in PAH has a MAF of 0.3441 in gnomAD with 2,014 homozygotes.In summary, this variant meets criteria to be classified as benign for PAH. PAH-specific ACMG/AMP criteria applied: BA1, BS2, BP7.

Molecular Genetics, Royal Melbourne Hospital
Classification: Benign for Phenylketonuria. Last evaluated: 2023-05-04. Review status: criteria provided, single submitter. Criteria: ACMG Guidelines, 2015. Collection method: clinical testing. Allele origin: germline. Affected: no. Not counted in ClinVar's aggregate classification.
Comment: African/African American population allele frequency is 48.34% (rs1522296, 4299/8672 alleles, 1055 homozygotes in gnomAD v2.1). Based on the classification scheme RMH Modified ACMG/AMP Guidelines v1.2.1, this variant is classified as BENIGN. Following criteria are met: BA1

Department of Pathology and Laboratory Medicine, Sinai Health System
Classification: Benign for phenylketonuria. Last evaluated: 2023-04-23. Review status: criteria provided, single submitter. Criteria: ACMG Guidelines, 2015. Collection method: research. Allele origin: germline. Not counted in ClinVar's aggregate classification.

Pars Genome Lab
Classification: Benign for Phenylketonuria. Last evaluated: 2021-07-01. Review status: criteria provided, single submitter. Criteria: ACMG Guidelines, 2015. Collection method: clinical testing. Allele origin: germline. Affected: no. Not counted in ClinVar's aggregate classification.

H3Africa Consortium
Classification: Benign. Last evaluated: 2020-10-28. Review status: criteria provided, single submitter. Criteria: Choudhury A et al. (Nature 2020). Collection method: research. Allele origin: germline. Inheritance: Autosomal recessive inheritance. Study: H3Africa. Not counted in ClinVar's aggregate classification.
Comment: While the frequency of the alternate allele in gnoMAD v2.0.2 is 0.521, its frequency in African populations is >5%. This suggests that previous classifications of this variant as pathogenic are in error.

GeneDx
Classification: Benign. Last evaluated: 2015-03-03. Review status: criteria provided, single submitter. Criteria: GeneDx Variant Classification Process June 2021. Collection method: clinical testing. Allele origin: germline. Affected: yes. Not counted in ClinVar's aggregate classification.

Breakthrough Genomics
Classification: Benign. Review status: criteria provided, single submitter. Criteria: ACMG Guidelines, 2015. Collection method: not provided. Allele origin: germline. Inheritance: Autosomal recessive inheritance. Affected: yes. Not counted in ClinVar's aggregate classification.

PreventionGenetics, part of Exact Sciences
Classification: Benign for PAH-related condition. Last evaluated: 2021-02-18. Review status: no assertion criteria provided. Collection method: clinical testing. Allele origin: germline. Not counted in ClinVar's aggregate classification.
Comment: This variant is classified as benign based on ACMG/AMP sequence variant interpretation guidelines (Richards et al. 2015 PMID: 25741868, with internal and published modifications).

Reproductive Health Research and Development, BGI Genomics
Classification: Benign for Phenylketonuria. Last evaluated: 2020-01-06. Review status: no assertion criteria provided. Collection method: curation. Allele origin: germline. Not counted in ClinVar's aggregate classification.
Comment: NG_008690.2(NM_000277.2):c.60+62C>T in the gene PAH has an allele frequency of 0.496 in African subpopulation in the gnomAD database. A total of 2014 homozygous occurrences are observed in the gnomAD database. This evidence suggests the variant to be classified as benign. ACMG/AMP criteria applied: BA1, BS2.

Clinical Laboratory, Xuzhou Maternity and Child Health Care Hospital
Classification: Likely pathogenic for Phenylketonuria. Last evaluated: 2018-06-26. Review status: no assertion criteria provided. Collection method: case-control. Allele origin: inherited. Observed: 6 variant alleles. Not counted in ClinVar's aggregate classification.

Genome Diagnostics Laboratory, University Medical Center Utrecht
Classification: Benign. Review status: no assertion criteria provided. Collection method: clinical testing. Allele origin: germline. Affected: yes. Study: VKGL Data-share Consensus. Not counted in ClinVar's aggregate classification.

Joint Genome Diagnostic Labs from Nijmegen and Maastricht, Radboudumc and MUMC+
Classification: Benign. Review status: no assertion criteria provided. Collection method: clinical testing. Allele origin: germline. Affected: yes. Study: VKGL Data-share Consensus. Not counted in ClinVar's aggregate classification.